The following is an entry in ClinVar:

ClinVar aggregate classification (germline): Likely benign. Review status: criteria provided, multiple submitters, no conflicts (2 of 4 stars). 3 submissions from 3 submitters: Likely benign (2). 1 of the submissions does not count toward it. Last evaluated 2025-11-08.

Conditions:
AIMP2-related disorder. Also called: AIMP2-related condition.

Allele frequency attached by ClinVar (database versions not stated): gnomAD 0.00015; ExAC 0.00029; ESP Exome Variant Server 0.00038.
gnomAD v4.1: 434 of 1,614,024 alleles (0.027%); highest among the groups gnomAD compares: South Asian, 0.17%; 3 homozygotes.

Submissions (3):

Labcorp Genetics (formerly Invitae), Labcorp
Classification: Likely benign. Last evaluated: 2025-11-08. Review status: criteria provided, single submitter. Criteria: Invitae Variant Classification Sherloc (09022015). Collection method: clinical testing. Allele origin: germline.

CeGaT Center for Human Genetics Tuebingen
Classification: Likely benign. Last evaluated: 2024-07-01. Review status: criteria provided, single submitter. Criteria: CeGaT Center For Human Genetics Tuebingen Variant Classification Criteria Version 2. Collection method: clinical testing. Allele origin: germline. Affected: yes. Observed: 1 variant allele.
Comment: AIMP2: BP4, BP7

PreventionGenetics, part of Exact Sciences
Classification: Likely benign for AIMP2-related condition. Last evaluated: 2019-04-08. Review status: no assertion criteria provided. Collection method: clinical testing. Allele origin: germline. Not counted in ClinVar's aggregate classification.
Comment: This variant is classified as likely benign based on ACMG/AMP sequence variant interpretation guidelines (Richards et al. 2015 PMID: 25741868, with internal and published modifications).

NM_006303.4(AIMP2):c.375C>T (p.Asn125=)

Gene: AIMP2 (aminoacyl tRNA synthetase complex interacting multifunctional protein 2; plus strand). Cytogenetic location: 7p22.1.
Variant type: single nucleotide variant.
Coding change: c.375C>T on transcript NM_006303.4 (MANE Select); coding-DNA position 375, C replaced by T.
Protein change: p.Asn125=; no amino-acid change (asparagine 125 retained).
Molecular consequence: synonymous variant.
Genome position (GRCh38, 1-based): chr7:6,017,846, C>T. VCF-style: chr7-6017846-C-T. GRCh37 (hg19) VCF-style: chr7-6057477-C-T.
Other names: c.255C>T, p.Asn85= (NM_001326606.2); c.168C>T, p.Asn56= (NM_001326607.2); c.141C>T, p.Asn47= (NM_001326609.2, NM_001326610.2, NM_001326611.3); c.288C>T, p.Asn96= (NM_001362785.2); c.243C>T, p.Asn81= (NM_001362787.2); c.375C>T (NM_006303.3).
Identifiers: ClinVar variation 2080225 (VCV002080225.22), dbSNP rs145256692, ClinGen allele CA4150338.
Genomic context (GRCh38, chr7:6,017,846, plus strand): 5'-TTCGTACATTGTCTTGGTCTTTCCCCAGGATTACGGGGCGCTGAAAGACATCGTGATCAA[C>T]GCAAACCCGGCCTCCCCTCCCCTCTCCCTGCTTGTGCTGCACAGGCTGCTCTGTGAGCAC-3'
Protein context (NP_006294.2, residues 115-135): DYGALKDIVI[Asn125=]ANPASPPLSL